The following is an entry in ClinVar:

NM_014795.4(ZEB2):c.808-231A>C

Gene: ZEB2 (zinc finger E-box binding homeobox 2; minus strand). Cytogenetic location: 2q22.3.
Variant type: single nucleotide variant.
Coding change: c.808-231A>C on transcript NM_014795.4 (MANE Select); 231 bases into the intron before coding-DNA position 808, A replaced by C.
Molecular consequence: intron variant.
Genome position (GRCh38, 1-based): chr2:144,401,538, T>G on the plus strand (A>C on the coding strand, the complement: ZEB2 is on the minus strand). VCF-style: chr2-144401538-T-G. GRCh37 (hg19) VCF-style: chr2-145159105-T-G.
Other names: c.736-231A>C (NM_001171653.2).
Identifiers: ClinVar variation 672369 (VCV000672369.1), dbSNP rs68066623, ClinGen allele CA11032494.

ClinVar aggregate classification (germline): Benign (1 of 4 stars; one submission).

Allele frequency attached by ClinVar (database versions not stated): 1000 Genomes Project 30x 0.09260; TOPMed 0.09351; 1000 Genomes Project 0.09585; gnomAD 0.10034 and 0.10193.
gnomAD v4.1: 15,602 of 152,286 alleles (10%); highest among the groups gnomAD compares: South Asian, 16%; 961 homozygotes.

Submission:

GeneDx
Classification: Benign. Last evaluated: 2018-06-19. Review status: criteria provided, single submitter. Criteria: GeneDx Variant Classification (06012015). Collection method: clinical testing. Allele origin: germline. Affected: yes.
Comment: This variant is considered likely benign or benign based on one or more of the following criteria: it is a conservative change, it occurs at a poorly conserved position in the protein, it is predicted to be benign by multiple in silico algorithms, and/or has population frequency not consistent with disease.